The following is an entry in ClinVar:

NM_000187.4(HGD):c.158G>A (p.Arg53Gln)

Gene: HGD (homogentisate 1,2-dioxygenase; minus strand). Cytogenetic location: 3q13.33.
Variant type: single nucleotide variant.
Coding change: c.158G>A on transcript NM_000187.4 (MANE Select); coding-DNA position 158, G replaced by A.
Protein change: p.Arg53Gln; replaces arginine 53 with glutamine.
Molecular consequence: missense variant.
Genome position (GRCh38, 1-based): chr3:120,674,919, C>T on the plus strand (G>A on the coding strand, the complement: HGD is on the minus strand). VCF-style: chr3-120674919-C-T. GRCh37 (hg19) VCF-style: chr3-120393766-C-T.
Other names: short protein forms R53Q.
Identifiers: ClinVar variation 370939 (VCV000370939.48), dbSNP rs200808744, ClinGen allele CA2560335.

ClinVar aggregate classification (germline): Pathogenic/Likely pathogenic. Review status: criteria provided, multiple submitters, no conflicts (2 of 4 stars). 6 submissions from 6 submitters: Pathogenic (2); Likely pathogenic (2). 2 of the submissions do not count toward it. Last evaluated 2026-01-23.

Conditions:
Alkaptonuria (AKU). Also called: Homogentisic acidura; Alcaptonuria; Alkaptonuric ochronosis; HOMOGENTISIC ACID OXIDASE DEFICIENCY. Identifiers: Orphanet 56, MedGen C0002066, MONDO:0008753, OMIM 203500.

Allele frequency attached by ClinVar (database versions not stated): ExAC 0.00002; gnomAD exomes 0.00003 and 0.00004; TOPMed 0.00004; gnomAD 0.00005 and 0.00006.
gnomAD v4.1: 50 of 1,609,398 alleles (0.0031%); highest among the groups gnomAD compares: South Asian, 0.0055%; no homozygotes.

Submissions (6):

Institute of Medical Genetics and Applied Genomics, University Hospital Tübingen
Classification: Likely pathogenic for Alkaptonuria. Last evaluated: 2026-01-23. Review status: criteria provided, single submitter. Criteria: ACMG Guidelines, 2015. Collection method: clinical testing. Allele origin: germline. Inheritance: Autosomal recessive inheritance. Affected: yes.

Dasa
Classification: Pathogenic. Last evaluated: 2025-09-02. Review status: criteria provided, single submitter. Criteria: DASA Assertion Criteria. Collection method: clinical testing. Allele origin: germline.
Comment: NM_000187.4(HGD):c.158G>A (p.Arg53Gln) is a missense variant that results in the substitution of arginine with glutamine. The affected residue or protein region has prior evidence supporting clinical relevance. This variant has been observed in affected individuals with related phenotype in a genotype context consistent with recessive disease (PMID: 25804398; PMID: 25681086). This variant has been recurrently observed in individuals with related phenotype (PMID: 25804398; PMID: 25681086). Multiple computational predictions support a deleterious effect on the gene or gene product. The variant is present at low frequency in population datasets. Based on the available data, this variant is classified as pathogenic.

Labcorp Genetics (formerly Invitae), Labcorp
Classification: Pathogenic for Alkaptonuria. Last evaluated: 2025-05-13. Review status: criteria provided, single submitter. Criteria: Invitae Variant Classification Sherloc (09022015). Collection method: clinical testing. Allele origin: germline.
Comment: This sequence change replaces arginine, which is basic and polar, with glutamine, which is neutral and polar, at codon 53 of the HGD protein (p.Arg53Gln). This variant is present in population databases (rs200808744, gnomAD 0.01%). This missense change has been observed in individual(s) with alkaptonuria (PMID: 25681086, 25804398; internal data). ClinVar contains an entry for this variant (Variation ID: 370939). Invitae Evidence Modeling of protein sequence and biophysical properties (such as structural, functional, and spatial information, amino acid conservation, physicochemical variation, residue mobility, and thermodynamic stability) indicates that this missense variant is expected to disrupt HGD protein function with a positive predictive value of 95%. For these reasons, this variant has been classified as Pathogenic.

CeGaT Center for Human Genetics Tuebingen
Classification: Likely pathogenic. Last evaluated: 2021-07-01. Review status: criteria provided, single submitter. Criteria: CeGaT Center For Human Genetics Tuebingen Variant Classification Criteria Version 2. Collection method: clinical testing. Allele origin: germline. Affected: yes. Observed: 1 variant allele.

Counsyl
Classification: Likely pathogenic for Alkaptonuria. Last evaluated: 2016-05-24. Review status: no assertion criteria provided. Collection method: clinical testing. Allele origin: unknown. Not counted in ClinVar's aggregate classification.

Department Of Human Genetics, Institute Of Clinical And Translational Research, Biomedical Research Center, Slovak Academy Of Sciences
Classification: Pathogenic for Alkaptonuria. Review status: no assertion criteria provided. Collection method: research. Allele origin: germline. Inheritance: Autosomal recessive inheritance. Affected: yes. Observed: 18 variant alleles. Not counted in ClinVar's aggregate classification.
Comment: The variant was originally described in AKU patients in PMID:25804398 and PMID: 25681086. It has been submitted to the HGD gene mutation database (DB-ID: AKU_00AKU_00152).

Literature cited by the submitters: PubMed 25804398 (cited by 4 submitters); PubMed 25681086 (cited by 4 submitters).